The following is an entry in ClinVar:

ClinVar aggregate classification (germline): Uncertain significance (1 of 4 stars; one submission).

gnomAD v4.1: 11 of 1,613,774 alleles (0.00068%); highest among the groups gnomAD compares: Non-Finnish European, 0.00085%; no homozygotes.

Submission:

Labcorp Genetics (formerly Invitae), Labcorp
Classification: Uncertain significance. Last evaluated: 2022-04-12. Review status: criteria provided, single submitter. Criteria: Invitae Variant Classification Sherloc (09022015). Collection method: clinical testing. Allele origin: germline.
Comment: In summary, the available evidence is currently insufficient to determine the role of this variant in disease. Therefore, it has been classified as a Variant of Uncertain Significance. Advanced modeling of protein sequence and biophysical properties (such as structural, functional, and spatial information, amino acid conservation, physicochemical variation, residue mobility, and thermodynamic stability) performed at Invitae indicates that this missense variant is not expected to disrupt ROBO1 protein function. This variant has not been reported in the literature in individuals affected with ROBO1-related conditions. This variant is not present in population databases (gnomAD no frequency). This sequence change replaces arginine, which is basic and polar, with isoleucine, which is neutral and non-polar, at codon 1538 of the ROBO1 protein (p.Arg1538Ile).

NM_002941.4(ROBO1):c.4613G>T (p.Arg1538Ile)

Gene: ROBO1 (roundabout guidance receptor 1; minus strand). Cytogenetic location: 3p12.3.
Variant type: single nucleotide variant.
Coding change: c.4613G>T on transcript NM_002941.4 (MANE Select); coding-DNA position 4613, G replaced by T.
Protein change: p.Arg1538Ile; replaces arginine 1538 with isoleucine.
Molecular consequence: missense variant.
Genome position (GRCh38, 1-based): chr3:78,606,864, C>A on the plus strand (G>T on the coding strand, the complement: ROBO1 is on the minus strand). VCF-style: chr3-78606864-C-A. GRCh37 (hg19) VCF-style: chr3-78656014-C-A.
Other names: c.4478G>T, p.Arg1493Ile (NM_001145844.1, NM_133631.4); c.4313G>T, p.Arg1438Ile (NM_001145845.2); short protein forms R1493I, R1438I, R1538I.
Identifiers: ClinVar variation 2115580 (VCV002115580.4), dbSNP rs757166797, ClinGen allele CA77656689.